The following is an entry in ClinVar:

ClinVar aggregate classification (germline): Uncertain significance (1 of 4 stars; one submission).

Conditions:
Glycogen storage disease due to lactate dehydrogenase M-subunit deficiency (GSD11). Also called: Glycogen storage disease XI; GSD XI; LACTATE DEHYDROGENASE A DEFICIENCY. Identifiers: Orphanet 284426, MedGen C2931743, MONDO:0013047, OMIM 612933.

Allele frequency attached by ClinVar (database versions not stated): TOPMed 0.00001; ESP Exome Variant Server 0.00008; gnomAD exomes 0.00001.

Submission:

Labcorp Genetics (formerly Invitae), Labcorp
Classification: Uncertain significance for Glycogen storage disease due to lactate dehydrogenase M-subunit deficiency. Last evaluated: 2022-04-25. Review status: criteria provided, single submitter. Criteria: Invitae Variant Classification Sherloc (09022015). Collection method: clinical testing. Allele origin: germline.
Comment: Algorithms developed to predict the effect of missense changes on protein structure and function (SIFT, PolyPhen-2, Align-GVGD) all suggest that this variant is likely to be tolerated. In summary, the available evidence is currently insufficient to determine the role of this variant in disease. Therefore, it has been classified as a Variant of Uncertain Significance. This variant has not been reported in the literature in individuals affected with LDHA-related conditions. This variant is not present in population databases (gnomAD no frequency). This sequence change replaces valine, which is neutral and non-polar, with leucine, which is neutral and non-polar, at codon 270 of the LDHA protein (p.Val270Leu).

NM_005566.4(LDHA):c.808G>T (p.Val270Leu)

Gene: LDHA (lactate dehydrogenase A; plus strand). Cytogenetic location: 11p15.1.
Variant type: single nucleotide variant.
Coding change: c.808G>T on transcript NM_005566.4 (MANE Select); coding-DNA position 808, G replaced by T.
Protein change: p.Val270Leu; replaces valine 270 with leucine.
Molecular consequence: missense variant. On other transcripts: non-coding transcript variant (1), intron variant (2).
Genome position (GRCh38, 1-based): chr11:18,405,546, G>T. VCF-style: chr11-18405546-G-T. GRCh37 (hg19) VCF-style: chr11-18427093-G-T.
Other names: c.634G>T, p.Val212Leu (NM_001135239.2); c.895G>T, p.Val299Leu (NM_001165414.2); c.711-1571G>T (NM_001165416.2); c.688-1693G>T (NM_001165415.2); short protein forms V212L, V270L, V299L.
Identifiers: ClinVar variation 2144908 (VCV002144908.3), dbSNP rs371400978, ClinGen allele CA218585763.